The following is an entry in ClinVar:

NM_000051.4(ATM):c.5368G>A (p.Asp1790Asn)

Gene: ATM (ATM serine/threonine kinase; plus strand). Cytogenetic location: 11q22.3.
Variant type: single nucleotide variant.
Coding change: c.5368G>A on transcript NM_000051.4 (MANE Select); coding-DNA position 5368, G replaced by A.
Protein change: p.Asp1790Asn; replaces aspartic acid 1790 with asparagine.
Molecular consequence: missense variant.
Genome position (GRCh38, 1-based): chr11:108,302,901, G>A. VCF-style: chr11-108302901-G-A. GRCh37 (hg19) VCF-style: chr11-108173628-G-A.
Other names: c.5368G>A, p.Asp1790Asn (NM_001351834.2); short protein forms D1790N.
Identifiers: ClinVar variation 230998 (VCV000230998.8), dbSNP rs876658890, ClinGen allele CA10579179.

ClinVar aggregate classification (germline): Uncertain significance. Review status: criteria provided, multiple submitters, no conflicts (2 of 4 stars). 2 submissions from 2 submitters: Uncertain significance (2). Last evaluated 2024-07-09.

Conditions:
Ataxia-telangiectasia syndrome (AT). Also called: Ataxia telangiectasia (A-T); Ataxia-telangiectasia, complementation group E; LOUIS-BAR SYNDROME; Cerebello-oculocutaneous telangiectasia; Immunodeficiency with ataxia telangiectasia; Ataxia-telangiectasia, complementation group D. Identifiers: Orphanet 100, MedGen C0004135, MONDO:0008840, OMIM 208900.
Hereditary cancer-predisposing syndrome. Also called: Hereditary Cancer Syndrome; Neoplastic Syndromes, Hereditary; Tumor predisposition; Hereditary neoplastic syndrome. Identifiers: Orphanet 140162, MedGen C0027672, MeSH D009386, MONDO:0015356.

Submissions (2):

Labcorp Genetics (formerly Invitae), Labcorp
Classification: Uncertain significance for Ataxia-telangiectasia syndrome. Last evaluated: 2024-07-09. Review status: criteria provided, single submitter. Criteria: Invitae Variant Classification Sherloc (09022015). Collection method: clinical testing. Allele origin: germline.
Comment: This sequence change replaces aspartic acid, which is acidic and polar, with asparagine, which is neutral and polar, at codon 1790 of the ATM protein (p.Asp1790Asn). This variant is not present in population databases (gnomAD no frequency). This missense change has been observed in individual(s) with breast cancer (PMID: 30287823). ClinVar contains an entry for this variant (Variation ID: 230998). An algorithm developed to predict the effect of missense changes on protein structure and function (PolyPhen-2) suggests that this variant is likely to be tolerated. In summary, the available evidence is currently insufficient to determine the role of this variant in disease. Therefore, it has been classified as a Variant of Uncertain Significance.

Ambry Genetics
Classification: Uncertain significance for Hereditary cancer-predisposing syndrome. Last evaluated: 2024-04-10. Review status: criteria provided, single submitter. Criteria: Ambry Variant Classification Scheme 2023. Collection method: clinical testing. Allele origin: germline.
Comment: The p.D1790N variant (also known as c.5368G>A), located in coding exon 35 of the ATM gene, results from a G to A substitution at nucleotide position 5368. The aspartic acid at codon 1790 is replaced by asparagine, an amino acid with highly similar properties. This amino acid position is highly conserved in available vertebrate species. In addition, this alteration is predicted to be tolerated by in silico analysis. Based on the available evidence, the clinical significance of this variant remains unclear.

Literature cited by the submitters: PubMed 30287823 (cited by Labcorp Genetics (formerly Invitae), Labcorp).